The following is an entry in ClinVar:

NM_024514.5(CYP2R1):c.32C>T (p.Ala11Val)

Genes: CYP2R1 (cytochrome P450 family 2 subfamily R member 1; minus strand), PDE3B (phosphodiesterase 3B; plus strand). Cytogenetic location: 11p15.2.
Variant type: single nucleotide variant.
Coding change: c.32C>T on transcript NM_024514.5 (MANE Select); coding-DNA position 32, C replaced by T.
Protein change: p.Ala11Val; replaces alanine 11 with valine.
Molecular consequence: missense variant. On other transcripts: intron variant (3).
Genome position (GRCh38, 1-based): chr11:14,892,174, G>A on the plus strand (C>T on the coding strand, the complement: CYP2R1 is on the minus strand). VCF-style: chr11-14892174-G-A. GRCh37 (hg19) VCF-style: chr11-14913720-G-A.
Other names: c.2887-6771G>A (NM_001429700.1); c.2887-6782G>A (NM_001429699.1); c.-121+191C>T (NM_001400558.1); short protein forms A11V.
Identifiers: ClinVar variation 4540013 (VCV004540013.1).

ClinVar aggregate classification (germline): Uncertain significance (1 of 4 stars; one submission).

gnomAD v4.1: 15 of 1,610,672 alleles (0.00093%); highest among the groups gnomAD compares: African/African-American, 0.0013%; no homozygotes.

Submission:

GeneDx
Classification: Uncertain significance. Last evaluated: 2025-06-24. Review status: criteria provided, single submitter. Criteria: GeneDx Variant Classification Process June 2021. Collection method: clinical testing. Allele origin: germline. Affected: yes.
Comment: Not observed at significant frequency in large population cohorts (gnomAD); In silico analysis suggests that this missense variant does not alter protein structure/function; Has not been previously published as pathogenic or benign to our knowledge